The following is an entry in ClinVar:

NM_001365902.3(NFIX):c.698-2A>G

Gene: NFIX (nuclear factor I X; plus strand). Cytogenetic location: 19p13.13.
Variant type: single nucleotide variant.
Coding change: c.698-2A>G on transcript NM_001365902.3 (MANE Select); the canonical splice acceptor site of the intron before coding-DNA position 698, A replaced by G.
Molecular consequence: splice acceptor variant.
Genome position (GRCh38, 1-based): chr19:13,073,904, A>G. VCF-style: chr19-13073904-A-G. GRCh37 (hg19) VCF-style: chr19-13184718-A-G.
Other names: c.698-2A>G (NM_002501.4, NM_001365982.2); c.674-2A>G (NM_001378404.1, NM_001271044.3); c.746-2A>G (NM_001378405.1); c.557-2A>G (NM_001365983.2); c.722-2A>G (NM_001271043.2); c.695-2A>G (NM_001365984.2, NM_001365985.2).
Identifiers: ClinVar variation 1709591 (VCV001709591.2), dbSNP rs2512944273, ClinGen allele CA404294741.
Genomic context (GRCh38, chr19:13,073,904, plus strand): 5'-GAAACAGACCCCATCAGGCCTCCCCCCACCTCCAAACCTCATCACCCTCTCGTTCTTCCC[A>G]GCTCCTGTTGCAACAGCATCAGGGCCCAACTTCTCCCTGGCGGACCTGGAGAGTCCCAGC-3'

ClinVar aggregate classification (germline): Uncertain significance (1 of 4 stars; one submission).

Conditions:
Malan overgrowth syndrome (MALNS). Also called: NFIX-Related Malan Syndrome; Sotos syndrome 2; MALAN SYNDROME. Identifiers: Orphanet 420179, MedGen C3553660, MONDO:0013885, OMIM 614753.

Submission:

MGZ Medical Genetics Center
Classification: Uncertain significance for Malan overgrowth syndrome. Last evaluated: 2022-07-04. Review status: criteria provided, single submitter. Criteria: ACMG Guidelines, 2015. Collection method: clinical testing. Allele origin: germline. Affected: yes. Observed: 1 variant allele.
Comment: ACMG criteria applied: PVS1_MOD, PM2_SUP